The following is an entry in ClinVar:

NC_012920.1(MT-CYB):m.15377A>G

Gene: MT-CYB (mitochondrially encoded cytochrome b; plus strand).
Variant type: single nucleotide variant.
Genome position: chrM-15377-A-G.
Identifiers: ClinVar variation 693872 (VCV000693872.1), dbSNP rs1603225248, ClinGen allele CA913173701.
Genomic context (GRCh38, chrMT:15,377, plus strand): 5'-GCCCTAGCAACACTCCACCTCCTATTCTTGCACGAAACGGGATCAAACAACCCCCTAGGA[A>G]TCACCTCCCATTCCGATAAAATCACCTTCCACCCTTACTACACAATCAAAGACGCCCTCG-3'

ClinVar aggregate classification (germline): Likely benign (1 of 4 stars; one submission).

Conditions:
Leigh syndrome (NULS). Also called: Leigh's necrotizing encephalopathy; Leigh's disease; Leigh's syndrome; LEIGH SYNDROME, NUCLEAR; Leigh Syndrome (mtDNA deletion); Leigh Disease. Identifiers: Orphanet 506, MedGen C2931891, MONDO:0009723, OMIM 256000.

Submission:

Wong Mito Lab, Molecular and Human Genetics, Baylor College of Medicine
Classification: Likely benign for Leigh syndrome. Last evaluated: 2019-10-17. Review status: criteria provided, single submitter. Criteria: Modified ACMG Guidelines (Unpublished). Collection method: clinical testing. Allele origin: germline.
Comment: The NC_012920.1:m.15377A>G (YP_003024038.1:p.Ile211Val) variant in MTCYB gene is interpretated to be a Likely Benign variant based on the modified ACMG guidelines (unpublished). This variant meets the following evidence codes: BS1, BP6